The following is an entry in ClinVar:

NM_021008.4(DEAF1):c.1526G>C (p.Arg509Pro)

Gene: DEAF1 (DEAF1 transcription factor; minus strand). Cytogenetic location: 11p15.5.
Variant type: single nucleotide variant.
Coding change: c.1526G>C on transcript NM_021008.4 (MANE Select); coding-DNA position 1526, G replaced by C.
Protein change: p.Arg509Pro; replaces arginine 509 with proline.
Molecular consequence: missense variant.
Genome position (GRCh38, 1-based): chr11:654,029, C>G on the plus strand (G>C on the coding strand, the complement: DEAF1 is on the minus strand). VCF-style: chr11-654029-C-G. GRCh37 (hg19) VCF-style: chr11-654029-C-G.
Other names: c.1301G>C, p.Arg434Pro (NM_001293634.2); c.800G>C, p.Arg267Pro (NM_001367390.1); short protein forms R267P, R434P, R509P.
Identifiers: ClinVar variation 3602387 (VCV003602387.1).

ClinVar aggregate classification (germline): Uncertain significance (1 of 4 stars; one submission).

Submission:

GeneDx
Classification: Uncertain significance. Last evaluated: 2024-07-31. Review status: criteria provided, single submitter. Criteria: GeneDx Variant Classification Process June 2021. Collection method: clinical testing. Allele origin: germline. Affected: yes.
Comment: Not observed at significant frequency in large population cohorts (gnomAD); In silico analysis supports that this missense variant has a deleterious effect on protein structure/function; Has not been previously published as pathogenic or benign to our knowledge